The following is an entry in ClinVar:

ClinVar aggregate classification (germline): Uncertain significance (1 of 4 stars; one submission).

Submission:

Labcorp Genetics (formerly Invitae), Labcorp
Classification: Uncertain significance. Last evaluated: 2025-05-12. Review status: criteria provided, single submitter. Criteria: Invitae Variant Classification Sherloc (09022015). Collection method: clinical testing. Allele origin: germline.
Comment: This sequence change replaces glutamic acid, which is acidic and polar, with valine, which is neutral and non-polar, at codon 8 of the MYO15A protein (p.Glu8Val). This variant is not present in population databases (gnomAD no frequency). This variant has not been reported in the literature in individuals affected with MYO15A-related conditions. ClinVar contains an entry for this variant (Variation ID: 1365295). Invitae Evidence Modeling of protein sequence and biophysical properties (such as structural, functional, and spatial information, amino acid conservation, physicochemical variation, residue mobility, and thermodynamic stability) indicates that this missense variant is not expected to disrupt MYO15A protein function with a negative predictive value of 95%. In summary, the available evidence is currently insufficient to determine the role of this variant in disease. Therefore, it has been classified as a Variant of Uncertain Significance.

NM_016239.4(MYO15A):c.23A>T (p.Glu8Val)

Gene: MYO15A (myosin XVA; plus strand). Cytogenetic location: 17p11.2.
Variant type: single nucleotide variant.
Coding change: c.23A>T on transcript NM_016239.4 (MANE Select); coding-DNA position 23, A replaced by T.
Protein change: p.Glu8Val; replaces glutamic acid 8 with valine.
Molecular consequence: missense variant.
Genome position (GRCh38, 1-based): chr17:18,118,823, A>T. VCF-style: chr17-18118823-A-T. GRCh37 (hg19) VCF-style: chr17-18022137-A-T.
Other names: short protein forms E8V.
Identifiers: ClinVar variation 1365295 (VCV001365295.8), dbSNP rs2142235361, ClinGen allele CA398589243.
Genomic context (GRCh38, chr17:18,118,823, plus strand): 5'-ACACCGGCCCCAGGCCCTGTAGAGAGCAGGCAGCCACCATGGCGAAGGAGGAAGATGAGG[A>T]GAAGAAAGCCAAGAAAGGGAAGAAGGGGAAGAAGGCACCGGAGCCGGAGAAGCCCAAACG-3'
Protein context (NP_057323.3, residues 1-18): MAKEEDE[Glu8Val]KKAKKGKKGK